The following is an entry in ClinVar:

NM_000554.6(CRX):c.-29T>A

Gene: CRX (cone-rod homeobox; plus strand). Cytogenetic location: 19q13.33.
Variant type: single nucleotide variant.
Coding change: c.-29T>A on transcript NM_000554.6 (MANE Select); 29 bases upstream of the start codon, T replaced by A.
Molecular consequence: 5 prime UTR variant.
Genome position (GRCh38, 1-based): chr19:47,834,415, T>A. VCF-style: chr19-47834415-T-A. GRCh37 (hg19) VCF-style: chr19-48337672-T-A.
Identifiers: ClinVar variation 618048 (VCV000618048.8), dbSNP rs1568624071, ClinGen allele CA913190380.
Genomic context (GRCh38, chr19:47,834,415, plus strand): 5'-ACCCCATGGTGAGTAACTGGTAAGTGAGTGAGCATCCCTCCTCTTCTCTTGCAGGCCCCC[T>A]GACTTGGGCCTCAGTGTCCCCGAAGATCATGATGGCGTATATGAACCCGGGGCCCCACTA-3'

ClinVar aggregate classification (germline): Likely benign (1 of 4 stars; one submission).

Submission:

ARUP Laboratories, Molecular Genetics and Genomics, ARUP Laboratories
Classification: Likely benign. Last evaluated: 2018-05-29. Review status: criteria provided, single submitter. Criteria: ARUP Molecular Germline Variant Investigation Process. Collection method: clinical testing. Allele origin: germline.
Comment: The CRX c.-29T>A variant, to our knowledge, is not reported in the medical literature or in gene-specific databases. This variant is also absent from general population databases (1000 Genomes Project, Exome Variant Server, and Genome Aggregation Database), indicating it is not a common polymorphism. This is a 5'UTR variant, the nucleotide at this position is not well conserved, and computational algorithms predict no change (Alamut v.2.11). Considering available information, this variant is classified as likely benign.